The following is an entry in ClinVar:

ClinVar aggregate classification (germline): Uncertain significance (1 of 4 stars; one submission).

gnomAD v4.1: 6 of 1,610,750 alleles (0.00037%); highest among the groups gnomAD compares: Non-Finnish European, 0.00042%; no homozygotes.

Submission:

Labcorp Genetics (formerly Invitae), Labcorp
Classification: Uncertain significance. Last evaluated: 2026-02-01. Review status: criteria provided, single submitter. Criteria: Invitae Variant Classification Sherloc (09022015). Collection method: clinical testing. Allele origin: germline.
Comment: This sequence change replaces isoleucine, which is neutral and non-polar, with valine, which is neutral and non-polar, at codon 995 of the SI protein (p.Ile995Val). This variant is not present in population databases (gnomAD no frequency). This variant has not been reported in the literature in individuals affected with SI-related conditions. Invitae Evidence Modeling of protein sequence and biophysical properties (such as structural, functional, and spatial information, amino acid conservation, physicochemical variation, residue mobility, and thermodynamic stability) indicates that this missense variant is not expected to disrupt SI protein function with a negative predictive value of 95%. In summary, the available evidence is currently insufficient to determine the role of this variant in disease. Therefore, it has been classified as a Variant of Uncertain Significance.

NM_001041.4(SI):c.2983A>G (p.Ile995Val)

Gene: SI (sucrase-isomaltase; minus strand). Cytogenetic location: 3q26.1.
Variant type: single nucleotide variant.
Coding change: c.2983A>G on transcript NM_001041.4 (MANE Select); coding-DNA position 2983, A replaced by G.
Protein change: p.Ile995Val; replaces isoleucine 995 with valine.
Molecular consequence: missense variant.
Genome position (GRCh38, 1-based): chr3:165,023,686, T>C on the plus strand (A>G on the coding strand, the complement: SI is on the minus strand). VCF-style: chr3-165023686-T-C. GRCh37 (hg19) VCF-style: chr3-164741474-T-C.
Other names: short protein forms I995V.
Identifiers: ClinVar variation 4811291 (VCV004811291.1).